The following is an entry in ClinVar:

ClinVar aggregate classification (germline): Uncertain significance (1 of 4 stars; one submission).

Conditions:
Hearing impairment. Also called: Impaired Hearing. Identifiers: MedGen C1384666, MONDO:0005365, HP:0000365.

Allele frequency attached by ClinVar (database versions not stated): gnomAD 0.00005 and 0.00006.
gnomAD v4.1: 8 of 152,016 alleles (0.0053%); highest among the groups gnomAD compares: Non-Finnish European, 0.012%; no homozygotes.

Submission:

Department of Otolaryngology – Head & Neck Surgery, Cochlear Implant Center
Classification: Uncertain significance for Hearing impairment. Last evaluated: 2021-04-12. Review status: criteria provided, single submitter. Criteria: ClinGen HL ACMG Specifications v1. Collection method: clinical testing. Allele origin: germline. Affected: yes.
Comment: PM2_Moderate, BP4_Supporting

NM_001110219.3(GJB6):c.-16+1G>A

Gene: GJB6 (gap junction protein beta 6; minus strand). Cytogenetic location: 13q12.11.
Variant type: single nucleotide variant.
Coding change: c.-16+1G>A on transcript NM_001110219.3 (MANE Select); the canonical splice donor site of the intron after 16 bases upstream of the start codon, G replaced by A.
Molecular consequence: splice donor variant.
Genome position (GRCh38, 1-based): chr13:20,229,579, C>T on the plus strand (G>A on the coding strand, the complement: GJB6 is on the minus strand). VCF-style: chr13-20229579-C-T. GRCh37 (hg19) VCF-style: chr13-20803718-C-T.
Other names: c.-16+1G>A (NM_001110221.3, NM_001370091.1, NM_001110220.3 and 3 more transcripts).
Identifiers: ClinVar variation 1064940 (VCV001064940.3), dbSNP rs946061258, ClinGen allele CA246495317.